The following is an entry in ClinVar:

NM_001386393.1(PANK2):c.566G>A (p.Gly189Asp)

Gene: PANK2 (pantothenate kinase 2; plus strand). Cytogenetic location: 20p13.
Variant type: single nucleotide variant.
Coding change: c.566G>A on transcript NM_001386393.1 (MANE Select); coding-DNA position 566, G replaced by A.
Protein change: p.Gly189Asp; replaces glycine 189 with aspartic acid.
Molecular consequence: missense variant. On other transcripts: intron variant (1).
Genome position (GRCh38, 1-based): chr20:3,908,193, G>A. VCF-style: chr20-3908193-G-A. GRCh37 (hg19) VCF-style: chr20-3888840-G-A.
Other names: c.23G>A, p.Gly8Asp (NM_001324191.2, NM_024960.6, NM_153640.4); c.896G>A, p.Gly299Asp (NM_001324192.1, NM_153638.4); c.-328+58G>A (NM_001324193.2); short protein forms G8D, G189D, G299D.
Identifiers: ClinVar variation 1405625 (VCV001405625.8), dbSNP rs975841680, ClinGen allele CA311034277.

ClinVar aggregate classification (germline): Uncertain significance (1 of 4 stars; one submission).

Conditions:
Pigmentary pallidal degeneration (NBIA1). Also called: Neuroaxonal dystrophy, late infantile; Hallervorden-Spatz disease; PKAN NEUROAXONAL DYSTROPHY, JUVENILE-ONSET; HARP SYNDROME; Pantothenate Kinase-Associated Neurodegeneration; Neurodegeneration with brain iron accumulation 1. Identifiers: Orphanet 157850, MedGen C0018523, MONDO:0009319, OMIM 234200.

Allele frequency attached by ClinVar (database versions not stated): TOPMed 0.00001.
gnomAD v4.1: 1 of 1,613,992 alleles (0.000062%); highest among the groups gnomAD compares: Non-Finnish European, 0.000085%; no homozygotes.

Submission:

Labcorp Genetics (formerly Invitae), Labcorp
Classification: Uncertain significance for Pigmentary pallidal degeneration. Last evaluated: 2021-03-07. Review status: criteria provided, single submitter. Criteria: Invitae Variant Classification Sherloc (09022015). Collection method: clinical testing. Allele origin: germline.
Comment: In summary, the available evidence is currently insufficient to determine the role of this variant in disease. Therefore, it has been classified as a Variant of Uncertain Significance. Algorithms developed to predict the effect of missense changes on protein structure and function are either unavailable or do not agree on the potential impact of this missense change (SIFT: "Deleterious"; PolyPhen-2: "Probably Damaging"; Align-GVGD: "Class C0"). This variant is not present in population databases (ExAC no frequency). This sequence change replaces glycine with aspartic acid at codon 299 of the PANK2 protein (p.Gly299Asp). The glycine residue is moderately conserved and there is a moderate physicochemical difference between glycine and aspartic acid.